The following is an entry in ClinVar:

NM_015629.4(PRPF31):c.1325G>A (p.Arg442His)

Gene: PRPF31 (pre-mRNA processing factor 31; plus strand). Cytogenetic location: 19q13.42.
Variant type: single nucleotide variant.
Coding change: c.1325G>A on transcript NM_015629.4 (MANE Select); coding-DNA position 1325, G replaced by A.
Protein change: p.Arg442His; replaces arginine 442 with histidine.
Molecular consequence: missense variant.
Genome position (GRCh38, 1-based): chr19:54,129,321, G>A. VCF-style: chr19-54129321-G-A. GRCh37 (hg19) VCF-style: chr19-54632696-G-A.
Other names: short protein forms R442H.
Identifiers: ClinVar variation 1305026 (VCV001305026.7), dbSNP rs774748387, ClinGen allele CA309330947.

ClinVar aggregate classification (germline): Uncertain significance. Review status: criteria provided, multiple submitters, no conflicts (2 of 4 stars). 3 submissions from 3 submitters: Uncertain significance (3). Last evaluated 2026-03-03.

Conditions:
Inborn genetic diseases. Identifiers: MedGen C0950123, MeSH D030342.

Allele frequency attached by ClinVar (database versions not stated): ExAC 0.00001; gnomAD exomes 0.00001 and 0.00003; TOPMed 0.00001.

Submissions (3):

Ambry Genetics
Classification: Uncertain significance for Inborn genetic diseases. Last evaluated: 2026-03-03. Review status: criteria provided, single submitter. Criteria: Ambry Variant Classification Scheme 2023. Collection method: clinical testing. Allele origin: germline.
Comment: The c.1325G>A (p.R442H) alteration is located in exon 13 (coding exon 12) of the PRPF31 gene. This alteration results from a G to A substitution at nucleotide position 1325, causing the arginine (R) at amino acid position 442 to be replaced by a histidine (H). Based on data from gnomAD, the A allele has an overall frequency of 0.001% (2/235432) total alleles studied. The highest observed frequency was 0.003% (1/33724) of Latino alleles. Based on insufficient or conflicting evidence, the clinical significance of this alteration remains unclear.

Labcorp Genetics (formerly Invitae), Labcorp
Classification: Uncertain significance. Last evaluated: 2022-07-13. Review status: criteria provided, single submitter. Criteria: Invitae Variant Classification Sherloc (09022015). Collection method: clinical testing. Allele origin: germline.
Comment: In summary, the available evidence is currently insufficient to determine the role of this variant in disease. Therefore, it has been classified as a Variant of Uncertain Significance. Algorithms developed to predict the effect of missense changes on protein structure and function are either unavailable or do not agree on the potential impact of this missense change (SIFT: "Tolerated"; PolyPhen-2: "Probably Damaging"; Align-GVGD: "Class C0"). ClinVar contains an entry for this variant (Variation ID: 1305026). This variant has not been reported in the literature in individuals affected with PRPF31-related conditions. The frequency data for this variant in the population databases is considered unreliable, as metrics indicate poor data quality at this position in the gnomAD database. This sequence change replaces arginine, which is basic and polar, with histidine, which is basic and polar, at codon 442 of the PRPF31 protein (p.Arg442His).

GeneDx
Classification: Uncertain significance. Last evaluated: 2019-04-18. Review status: criteria provided, single submitter. Criteria: GeneDx Variant Classification Process June 2021. Collection method: clinical testing. Allele origin: germline. Affected: yes.
Comment: Not observed at a significant frequency in large population cohorts (Lek et al., 2016); In silico analysis, which includes protein predictors and evolutionary conservation, supports a deleterious effect; Has not been previously published as pathogenic or benign to our knowledge